The following is an entry in ClinVar:

NM_005633.4(SOS1):c.806T>C (p.Met269Thr)

Gene: SOS1 (SOS Ras/Rac guanine nucleotide exchange factor 1; minus strand). Cytogenetic location: 2p22.1.
Variant type: single nucleotide variant.
Coding change: c.806T>C on transcript NM_005633.4 (MANE Select); coding-DNA position 806, T replaced by C.
Protein change: p.Met269Thr; replaces methionine 269 with threonine.
Molecular consequence: missense variant.
Genome position (GRCh38, 1-based): chr2:39,051,202, A>G on the plus strand (T>C on the coding strand, the complement: SOS1 is on the minus strand). VCF-style: chr2-39051202-A-G. GRCh37 (hg19) VCF-style: chr2-39278343-A-G.
Other names: p.M269T:ATG>ACG; NM_005633.3(SOS1):c.806T>C; c.785T>C, p.Met262Thr (NM_001382394.1); c.806T>C, p.Met269Thr (NM_001382395.1); short protein forms M269T, M262T.
Identifiers: ClinVar variation 40662 (VCV000040662.48), dbSNP rs137852813, ClinGen allele CA235344.

ClinVar aggregate classification (germline): Pathogenic. Review status: reviewed by expert panel (3 of 4 stars). 21 submissions from 21 submitters: Pathogenic (1). 20 of the submissions do not count toward it. Last evaluated 2017-04-03.

Conditions:
SOS1-related disorder. Also called: SOS1-related condition.
Cardiovascular phenotype. Identifiers: MedGen CN230736.
Noonan syndrome and Noonan-related syndrome. Identifiers: Orphanet 98733, MedGen C5681679, MONDO:0020297.
RASopathy. Also called: rasopathies; Noonan spectrum disorder. Identifiers: Orphanet 536391, MedGen C5555857, MONDO:0021060.
Noonan syndrome (NS). Also called: Noonan's syndrome. Identifiers: Orphanet 648, MedGen C0028326, MeSH D009634, MONDO:0018997. Disease mechanism: gain of function.
Noonan syndrome 1 (NS1). Also called: FEMALE PSEUDO-TURNER SYNDROME; TURNER PHENOTYPE WITH NORMAL KARYOTYPE; PTPN11-Related Noonan Syndrome. Identifiers: Orphanet 648, MedGen C4551602, MONDO:0008104, OMIM 163950. Disease mechanism: gain of function.
Noonan syndrome 4 (NS4). Also called: NOONAN SYNDROME WITH PIGMENTED VILLONODULAR SYNOVITIS; SOS1-Related Noonan Syndrome. Identifiers: Orphanet 648, MedGen C1853120, MONDO:0012547, OMIM 610733.

Allele frequency attached by ClinVar (database versions not stated): gnomAD exomes below 0.00001.
gnomAD v4.1: 4 of 1,613,600 alleles (0.00025%); highest among the groups gnomAD compares: East Asian, 0.0022%; no homozygotes.

Submissions 1 to 7 of 21:

ClinGen RASopathy Variant Curation Expert Panel
Classification: Pathogenic for Noonan syndrome. Last evaluated: 2017-04-03. Review status: reviewed by expert panel. Criteria: ClinGen RASopathy ACMG Specifications v1. Collection method: curation. Allele origin: germline. Inheritance: Autosomal dominant inheritance.
Comment: The c.806T>C (p.Met269Thr) variant in SOS1 has been reported in the literature in at least 2 unconfirmed and 1 confirmed de novo occurrences in patients with clinical features of a RASopathy (PS2_VeryStrong; PMID 17586837; 19953625, 20683980). It has also been reported as a confirmed de novo occurrence in a patient with clinical features of a RASoapthy (PMID: 20683980). This variant was absent from large population studies (PM2; ExAC). The variant is in SOS1, which has been defined by the ClinGen RASopathy Expert Panel as a gene with low rate of benign missense with missense variants commonly being pathogenic (PP2; PMID 29493581). Computational prediction tools and conservation analysis suggest that the p.Met269Thr variant may impact the protein (PP3). Furthermore, the variant is in a location that has been defined by the ClinGen RASopathy Expert Panel to be a mutational hotspot or domain of SOS1 (PM1; PMID 29493581). In summary, this variant meets criteria to be classified as pathogenic for RASopathies in an autosomal dominant manner. Rasopathy-specific ACMG/AMP criteria applied (PMID: 29493581): PP2, PP3, PM1, PM2, PS2_VeryStrong.

Victorian Clinical Genetics Services, Murdoch Childrens Research Institute
Classification: Pathogenic for Noonan syndrome 4. Last evaluated: 2026-06-29. Review status: criteria provided, single submitter. Criteria: ACMG Guidelines, 2015. Collection method: clinical testing. Allele origin: germline. Affected: yes. Not counted in ClinVar's aggregate classification.
Comment: This variant is classified as Pathogenic. Evidence in support of pathogenic classification: This variant is present in gnomAD <0.001 for a dominant condition (v4: 4 heterozygote(s), 0 homozygote(s)); This variant has strong previous evidence of pathogenicity in unrelated individuals. This variant has been classified as pathogenic for Noonan syndrome by the ClinGen RASopathy Variant Curation Expert Panel and by many clinical laboratories in ClinVar; Other variants comparable to the one identified in this case have very strong previous evidence for pathogenicity. p.(Met269Arg), p.(Met269Lys), and p.(Met269Ile) have been classified as pathogenic or likely pathogenic by clinical laboratories in ClinVar; Missense variant predicted to be damaging by in silico tool(s) and/or highly conserved with a major amino acid change; Additional information: This variant is predicted to result in a missense amino acid change from Met to Thr; This variant is heterozygous; This gene is associated with autosomal dominant disease; Alternative amino acid change(s) at the same position are present in gnomAD (highest allele count: v4: 2 heterozygote(s), 0 homozygote(s)); Variant is located in the annotated RhoGEF domain (DECIPHER); Gain of function is a known mechanism of disease in this gene and is associated with Noonan syndrome 4 (MIM#610733) (PMID: 17143285).

Labcorp Genetics (formerly Invitae), Labcorp
Classification: Pathogenic for RASopathy. Last evaluated: 2026-01-13. Review status: criteria provided, single submitter. Criteria: Invitae Variant Classification Sherloc (09022015). Collection method: clinical testing. Allele origin: germline. Not counted in ClinVar's aggregate classification.
Comment: This sequence change replaces methionine, which is neutral and non-polar, with threonine, which is neutral and polar, at codon 269 of the SOS1 protein (p.Met269Thr). This variant is not present in population databases (gnomAD no frequency). This missense change has been observed in individual(s) with Noonan syndrome (PMID: 17586837, 19953625, 20683980, 21387466). In at least one individual the variant was observed to be de novo. ClinVar contains an entry for this variant (Variation ID: 40662). Invitae Evidence Modeling of protein sequence and biophysical properties (such as structural, functional, and spatial information, amino acid conservation, physicochemical variation, residue mobility, and thermodynamic stability) indicates that this missense variant is expected to disrupt SOS1 protein function with a positive predictive value of 95%. This variant disrupts the p.Met269 amino acid residue in SOS1. Other variant(s) that disrupt this residue have been determined to be pathogenic (PMID: 17143282, 20683980, 21387466). This suggests that this residue is clinically significant, and that variants that disrupt this residue are likely to be disease-causing. For these reasons, this variant has been classified as Pathogenic.

Dasa
Classification: Pathogenic. Last evaluated: 2025-07-29. Review status: criteria provided, single submitter. Criteria: DASA Assertion Criteria. Collection method: clinical testing. Allele origin: germline. Not counted in ClinVar's aggregate classification.
Comment: NM_005633.4(SOS1):c.806T>C (p.Met269Thr) is a missense variant that results in the substitution of methionine with threonine. The affected residue or protein region has prior evidence supporting clinical relevance. De novo occurrence has been reported in an individual with related phenotype. This variant has been recurrently observed in individuals with related phenotype (PMID: 30784236; PMID: 23885229; PMID: 21387466; PMID: 19020799). Multiple computational predictions support a deleterious effect on the gene or gene product. The variant is present at low frequency in population datasets. Based on the available data, this variant is classified as pathogenic.

Department of Human Genetics, Hannover Medical School
Classification: Pathogenic for Noonan syndrome 4. Last evaluated: 2025-02-26. Review status: criteria provided, single submitter. Criteria: ACMG Guidelines, 2015. Collection method: clinical testing. Allele origin: germline. Affected: yes. Not counted in ClinVar's aggregate classification.
Comment: ClinGen VCEP: PS2_VeryStrong, PM1, PM5, PP3, BS2_Supporting

3billion
Classification: Pathogenic for Noonan syndrome 4. Last evaluated: 2024-11-06. Review status: criteria provided, single submitter. Criteria: ACMG Guidelines, 2015. Collection method: clinical testing. Allele origin: germline. Affected: yes. Not counted in ClinVar's aggregate classification.
Comment: The variant is observed at an extremely low frequency in the gnomAD v4.1.0 dataset (total allele frequency: <0.001%). Predicted Consequence/Location: The variant is located in a mutational hot spot and/or well-established functional domain in which established pathogenic variants have been reported (PMID: 29493581). Missense variant. Missense changes are a common disease-causing mechanism. In silico tool predictions suggest damaging effect of the variant on gene or gene product [REVEL: 0.90 (>=0.6, sensitivity 0.68 and specificity 0.92); 3Cnet: 0.95 (>=0.6, sensitivity 0.72 and precision 0.9)]. The same nucleotide change resulting in the same amino acid change has been previously reported as pathogenic/likely pathogenic with strong evidence (ClinVar ID: VCV000040662 /PMID: 17586837 /3billion dataset). The variant has been previously reported as de novo in at least two similarly affected unrelated individuals (PMID: 17586837, 19953625, 20683980). Different missense changes at the same codon (p.Met269Arg, p.Met269Val) have been reported as pathogenic/likely pathogenic with strong evidence (ClinVar ID: VCV000012870, VCV000981559 /PMID: 17143282, 34358384 /3billion dataset). Therefore, this variant is classified as Pathogenic according to the recommendation of ACMG/AMP guideline.

Blueprint Genetics
Classification: Pathogenic for SOS1-related disorders. Last evaluated: 2023-11-29. Review status: criteria provided, single submitter. Criteria: ACMG Guidelines, 2015. Collection method: clinical testing. Allele origin: germline. Affected: yes. Observed: 5 variant alleles. Not counted in ClinVar's aggregate classification.